The following is an entry in ClinVar:

NM_000264.5(PTCH1):c.229C>G (p.Leu77Val)

Gene: PTCH1 (patched 1; minus strand). Cytogenetic location: 9q22.32.
Variant type: single nucleotide variant.
Coding change: c.229C>G on transcript NM_000264.5 (MANE Select); coding-DNA position 229, C replaced by G.
Protein change: p.Leu77Val; replaces leucine 77 with valine.
Molecular consequence: missense variant. On other transcripts: 5 prime UTR variant (4), non-coding transcript variant (1).
Genome position (GRCh38, 1-based): chr9:95,506,572, G>C on the plus strand (C>G on the coding strand, the complement: PTCH1 is on the minus strand). VCF-style: chr9-95506572-G-C. GRCh37 (hg19) VCF-style: chr9-98268854-G-C.
Other names: c.31C>G, p.Leu11Val (NM_001083602.3, NM_001354919.2); c.226C>G, p.Leu76Val (NM_001083603.3); c.-225C>G (NM_001083604.3, NM_001083605.3, NM_001083606.3 and 1 more transcripts); c.229C>G, p.Leu77Val (NM_001354918.2); short protein forms L76V, L77V, L11V.
Identifiers: ClinVar variation 2761013 (VCV002761013.4), dbSNP rs1843665659, ClinGen allele CA374120664.

ClinVar aggregate classification (germline): Uncertain significance. Review status: criteria provided, multiple submitters, no conflicts (2 of 4 stars). 2 submissions from 2 submitters: Uncertain significance (2). Last evaluated 2025-08-12.

Conditions:
Gorlin syndrome. Also called: Nevoid Basal Cell Carcinoma Syndrome; Basal cell nevus syndrome. Identifiers: Orphanet 377, MedGen C0004779, MONDO:0007187.
Hereditary cancer-predisposing syndrome. Also called: Neoplastic Syndromes, Hereditary; Tumor predisposition; Hereditary neoplastic syndrome; Hereditary Cancer Syndrome. Identifiers: Orphanet 140162, MedGen C0027672, MeSH D009386, MONDO:0015356.

Allele frequency attached by ClinVar (database versions not stated): gnomAD exomes below 0.00001; TOPMed below 0.00001.
gnomAD v4.1: 5 of 1,612,764 alleles (0.00031%); highest among the groups gnomAD compares: Non-Finnish European, 0.00042%; no homozygotes.

Submissions (2):

Labcorp Genetics (formerly Invitae), Labcorp
Classification: Uncertain significance for Gorlin syndrome. Last evaluated: 2025-08-12. Review status: criteria provided, single submitter. Criteria: Invitae Variant Classification Sherloc (09022015). Collection method: clinical testing. Allele origin: germline.
Comment: This sequence change replaces leucine, which is neutral and non-polar, with valine, which is neutral and non-polar, at codon 77 of the PTCH1 protein (p.Leu77Val). This variant is not present in population databases (gnomAD no frequency). This variant has not been reported in the literature in individuals affected with PTCH1-related conditions. ClinVar contains an entry for this variant (Variation ID: 2761013). Invitae Evidence Modeling of protein sequence and biophysical properties (such as structural, functional, and spatial information, amino acid conservation, physicochemical variation, residue mobility, and thermodynamic stability) has been performed for this missense variant. However, the output from this modeling did not meet the statistical confidence thresholds required to predict the impact of this variant on PTCH1 protein function. In summary, the available evidence is currently insufficient to determine the role of this variant in disease. Therefore, it has been classified as a Variant of Uncertain Significance.

Ambry Genetics
Classification: Uncertain significance for Hereditary cancer-predisposing syndrome. Last evaluated: 2023-09-17. Review status: criteria provided, single submitter. Criteria: Ambry Variant Classification Scheme 2023. Collection method: clinical testing. Allele origin: germline.
Comment: The p.L77V variant (also known as c.229C>G), located in coding exon 2 of the PTCH1 gene, results from a C to G substitution at nucleotide position 229. The leucine at codon 77 is replaced by valine, an amino acid with highly similar properties. This amino acid position is conserved. In addition, the in silico prediction for this alteration is inconclusive. Since supporting evidence is limited at this time, the clinical significance of this alteration remains unclear.